The following is an entry in ClinVar:

NM_001621.5(AHR):c.574+4A>G

Gene: AHR (aryl hydrocarbon receptor; plus strand). Cytogenetic location: 7p21.1.
Variant type: single nucleotide variant.
Coding change: c.574+4A>G on transcript NM_001621.5 (MANE Select); 4 bases into the intron after coding-DNA position 574, A replaced by G.
Molecular consequence: intron variant.
Genome position (GRCh38, 1-based): chr7:17,330,079, A>G. VCF-style: chr7-17330079-A-G. GRCh37 (hg19) VCF-style: chr7-17369703-A-G.
Identifiers: ClinVar variation 1378157 (VCV001378157.6), dbSNP rs2115364105, ClinGen allele CA2573141321.

ClinVar aggregate classification (germline): Uncertain significance (1 of 4 stars; one submission).

Allele frequency attached by ClinVar (database versions not stated): gnomAD exomes below 0.00001.
gnomAD v4.1: 1 of 1,606,894 alleles (0.000062%); highest among the groups gnomAD compares: Non-Finnish European, 0.000085%; no homozygotes.

Submission:

Labcorp Genetics (formerly Invitae), Labcorp
Classification: Uncertain significance. Last evaluated: 2021-08-28. Review status: criteria provided, single submitter. Criteria: Invitae Variant Classification Sherloc (09022015). Collection method: clinical testing. Allele origin: germline.
Comment: In summary, the available evidence is currently insufficient to determine the role of this variant in disease. Therefore, it has been classified as a Variant of Uncertain Significance. Variants that disrupt the consensus splice site are a relatively common cause of aberrant splicing (PMID: 17576681, 9536098). Algorithms developed to predict the effect of sequence changes on RNA splicing suggest that this variant is not likely to affect RNA splicing. This variant has not been reported in the literature in individuals affected with AHR-related conditions. This variant is not present in population databases (ExAC no frequency). This sequence change falls in intron 5 of the AHR gene. It does not directly change the encoded amino acid sequence of the AHR protein. It affects a nucleotide within the consensus splice site of the intron.

Literature cited by the submitters: PubMed 17576681; PubMed 9536098.